The following is an entry in ClinVar:

ClinVar aggregate classification (germline): Uncertain significance (1 of 4 stars; one submission).

Conditions:
Malignant hyperthermia, susceptibility to, 5 (MHS5). Also called: CACNA1S-Related Malignant Hyperthermia Susceptibility. Identifiers: Orphanet 423, MedGen C1866077, MONDO:0011163, OMIM 601887.
Hypokalemic periodic paralysis, type 1. Also called: Hypokalemic Periodic Paralysis Type 1 (AD); HypoPP. Identifiers: Orphanet 681, MedGen C3714580, MONDO:0042979, OMIM 170400.

gnomAD v4.1: 11 of 1,613,516 alleles (0.00068%); highest among the groups gnomAD compares: Non-Finnish European, 0.00093%; no homozygotes.

Submission:

Labcorp Genetics (formerly Invitae), Labcorp
Classification: Uncertain significance for Hypokalemic periodic paralysis, type 1; Malignant hyperthermia, susceptibility to, 5. Last evaluated: 2025-07-13. Review status: criteria provided, single submitter. Criteria: Invitae Variant Classification Sherloc (09022015). Collection method: clinical testing. Allele origin: germline.
Comment: This sequence change replaces arginine, which is basic and polar, with glycine, which is neutral and non-polar, at codon 1442 of the CACNA1S protein (p.Arg1442Gly). This variant is not present in population databases (gnomAD no frequency). This variant has not been reported in the literature in individuals affected with CACNA1S-related conditions. Invitae Evidence Modeling of protein sequence and biophysical properties (such as structural, functional, and spatial information, amino acid conservation, physicochemical variation, residue mobility, and thermodynamic stability) has been performed for this missense variant. However, the output from this modeling did not meet the statistical confidence thresholds required to predict the impact of this variant on CACNA1S protein function. In summary, the available evidence is currently insufficient to determine the role of this variant in disease. Therefore, it has been classified as a Variant of Uncertain Significance.

NM_000069.3(CACNA1S):c.4324C>G (p.Arg1442Gly)

Gene: CACNA1S (calcium voltage-gated channel subunit alpha1 S; minus strand). Cytogenetic location: 1q32.1.
Variant type: single nucleotide variant.
Coding change: c.4324C>G on transcript NM_000069.3 (MANE Select); coding-DNA position 4324, C replaced by G.
Protein change: p.Arg1442Gly; replaces arginine 1442 with glycine.
Molecular consequence: missense variant.
Genome position (GRCh38, 1-based): chr1:201,049,017, G>C on the plus strand (C>G on the coding strand, the complement: CACNA1S is on the minus strand). VCF-style: chr1-201049017-G-C. GRCh37 (hg19) VCF-style: chr1-201018145-G-C.
Other names: short protein forms R1442G.
Identifiers: ClinVar variation 4782332 (VCV004782332.1).
Genomic context (GRCh38, chr1:201,049,017, plus strand): 5'-ACTCTTCCCCTCCCTGGGGCCACCCATCCCTGGCAGCTCTGGTTACCTTACAAGCTACCC[G>C]ATGTGGGCAGAACTTCCCAAAGCCCAGAGGGGGCTGAATCCTTCTCAGCAGGGTCACCAC-3'
Protein context (NP_000060.2, residues 1432-1452): PLGFGKFCPH[Arg1442Gly]VACKRLVGMN